The following is an entry in ClinVar:

ClinVar aggregate classification (germline): Conflicting classifications of pathogenicity. Review status: criteria provided, conflicting classifications (1 of 4 stars). 6 submissions from 6 submitters: Uncertain significance (5); Likely benign (1). Last evaluated 2025-11-25.

Conditions:
Hereditary cancer-predisposing syndrome. Also called: Neoplastic Syndromes, Hereditary; Hereditary Cancer Syndrome; Hereditary neoplastic syndrome; Tumor predisposition. Identifiers: Orphanet 140162, MedGen C0027672, MeSH D009386, MONDO:0015356.
Hereditary breast ovarian cancer syndrome. Also called: Hereditary breast and ovarian cancer syndrome; Hereditary breast and/or ovarian cancer syndrome; BRCA1- and BRCA2-Associated Hereditary Breast and Ovarian Cancer; Hereditary breast and ovarian cancer; Breast and ovarian cancer; Hereditary breast and ovarian cancer syndrome (HBOC). Identifiers: Orphanet 145, MedGen C0677776, MeSH D061325, MONDO:0003582. Disease mechanism: loss of function.
Breast-ovarian cancer, familial, susceptibility to, 2 (BROVCA2). Also called: BRCA2 Hereditary Breast and Ovarian Cancer. Identifiers: Orphanet 145, MedGen C2675520, MONDO:0012933, OMIM 612555. Disease mechanism: loss of function.

Allele frequency attached by ClinVar (database versions not stated): gnomAD exomes 0.00001.
gnomAD v4.1: 10 of 1,606,872 alleles (0.00062%); highest among the groups gnomAD compares: Non-Finnish European, 0.00085%; no homozygotes.

Submissions (6):

Women's Health and Genetics/Laboratory Corporation of America, LabCorp
Classification: Uncertain significance. Last evaluated: 2025-11-25. Review status: criteria provided, single submitter. Criteria: LabCorp Variant Classification Summary - May 2015. Collection method: clinical testing. Allele origin: germline.
Comment: Variant summary: BRCA2 c.3770C>T (p.Pro1257Leu) results in a non-conservative amino acid change in the encoded protein sequence. Algorithms developed to predict the effect of missense changes on protein structure and function are either unavailable or do not agree on the potential impact of this missense change. The variant was absent in 245022 control chromosomes. The available data on variant occurrences in the general population are insufficient to allow any conclusion about variant significance. To our knowledge, no occurrence of c.3770C>T in individuals affected with BRCA2-related conditions and no experimental evidence demonstrating its impact on protein function have been reported. ClinVar contains an entry for this variant (Variation ID: 142605). Based on the evidence outlined above, the variant was classified as uncertain significance.

Ambry Genetics
Classification: Uncertain significance for Hereditary cancer-predisposing syndrome. Last evaluated: 2025-10-23. Review status: criteria provided, single submitter. Criteria: Ambry Variant Classification Scheme 2023. Collection method: clinical testing. Allele origin: germline.
Comment: The p.P1257L variant (also known as c.3770C>T), located in coding exon 10 of the BRCA2 gene, results from a C to T substitution at nucleotide position 3770. The proline at codon 1257 is replaced by leucine, an amino acid with similar properties. This amino acid position is not well conserved in available vertebrate species. In addition, this alteration is predicted to be tolerated by in silico analysis. Since supporting evidence is limited at this time, the clinical significance of this alteration remains unclear.

Labcorp Genetics (formerly Invitae), Labcorp
Classification: Uncertain significance for Hereditary breast ovarian cancer syndrome. Last evaluated: 2025-07-30. Review status: criteria provided, single submitter. Criteria: Invitae Variant Classification Sherloc (09022015). Collection method: clinical testing. Allele origin: germline.
Comment: This sequence change replaces proline, which is neutral and non-polar, with leucine, which is neutral and non-polar, at codon 1257 of the BRCA2 protein (p.Pro1257Leu). This variant is not present in population databases (gnomAD no frequency). This variant has not been reported in the literature in individuals affected with BRCA2-related conditions. ClinVar contains an entry for this variant (Variation ID: 142605). Invitae Evidence Modeling of protein sequence and biophysical properties (such as structural, functional, and spatial information, amino acid conservation, physicochemical variation, residue mobility, and thermodynamic stability) indicates that this missense variant is not expected to disrupt BRCA2 protein function with a negative predictive value of 95%. In summary, the available evidence is currently insufficient to determine the role of this variant in disease. Therefore, it has been classified as a Variant of Uncertain Significance.

Color Diagnostics, LLC DBA Color Health
Classification: Uncertain significance for Hereditary cancer-predisposing syndrome. Last evaluated: 2025-07-05. Review status: criteria provided, single submitter. Criteria: ACMG Guidelines, 2015. Collection method: clinical testing. Allele origin: germline.
Comment: This missense variant replaces proline with leucine at codon 1257 of the BRCA2 protein. Computational prediction suggests that this variant may not impact protein structure and function. To our knowledge, functional studies have not been reported for this variant. This variant has been detected in a breast cancer case-control meta-analysis in 0/60466 cases and 1/53461 unaffected individuals (PMID: 33471991Leiden Open Variation Database DB-ID BRCA2_007350). A multifactorial analysis has reported a likelihood ratio for pathogenicity based on personal and family history of 1.416 from log(LR)=0.1511 for one carrier (PMID: 31853058). This variant has not been identified in the general population by the Genome Aggregation Database (gnomAD). The available evidence is insufficient to determine the role of this variant in disease conclusively. Therefore, this variant is classified as a Variant of Uncertain Significance.

All of Us Research Program, National Institutes of Health
Classification: Uncertain significance for Breast-ovarian cancer, familial, susceptibility to, 2. Last evaluated: 2024-01-11. Review status: criteria provided, single submitter. Criteria: ACMG Guidelines, 2015. Collection method: clinical testing. Allele origin: germline. Inheritance: Autosomal dominant inheritance. Observed: 1 variant allele, 1 heterozygote.
Comment: This study involves interpretation of variants in research participants for the purpose of population health screening. Participant phenotype was not available at the time of variant classification. Additional details can be found in publication PMID: 35346344, PMCID: PMC8962531

University of Washington Department of Laboratory Medicine, University of Washington
Classification: Likely benign for Hereditary cancer-predisposing syndrome. Last evaluated: 2023-03-23. Review status: criteria provided, single submitter. Criteria: Dines et al. (Genet Med. 2020). Collection method: curation. Allele origin: germline.
Comment: Missense variant in a coldspot region where missense variants are very unlikely to be pathogenic (PMID:31911673).

BRCA2 exon 11 coldspot. Reclassification based on statistical prior probability.

Literature cited by the submitters: PubMed 31853058 (cited by Color Diagnostics, LLC DBA Color Health); PubMed 33471991 (cited by Color Diagnostics, LLC DBA Color Health).

NM_000059.4(BRCA2):c.3770C>T (p.Pro1257Leu)

Gene: BRCA2 (BRCA2 DNA repair associated; plus strand). Cytogenetic location: 13q13.1.
Variant type: single nucleotide variant.
Coding change: c.3770C>T on transcript NM_000059.4 (MANE Select); coding-DNA position 3770, C replaced by T.
Protein change: p.Pro1257Leu; replaces proline 1257 with leucine.
Molecular consequence: missense variant.
Genome position (GRCh38, 1-based): chr13:32,338,125, C>T. VCF-style: chr13-32338125-C-T. GRCh37 (hg19) VCF-style: chr13-32912262-C-T.
Other names: short protein forms P1257L.
Identifiers: ClinVar variation 142605 (VCV000142605.25), dbSNP rs587782581, ClinGen allele CA018762.
Genomic context (GRCh38, chr13:32,338,125, plus strand): 5'-CTGTGAAACTGTTTAGTGATATTGAGAATATTAGTGAGGAAACTTCTGCAGAGGTACATC[C>T]AATAAGTTTATCTTCAAGTAAATGTCATGATTCTGTTGTTTCAATGTTTAAGATAGAAAA-3'
Protein context (NP_000050.3, residues 1247-1267): ISEETSAEVH[Pro1257Leu]ISLSSSKCHD